The following is an entry in ClinVar:

ClinVar aggregate classification (germline): Uncertain significance. Review status: criteria provided, multiple submitters, no conflicts (2 of 4 stars). 3 submissions from 3 submitters: Uncertain significance (3). Last evaluated 2024-03-21.

Conditions:
Epidermolysis bullosa simplex with nail dystrophy (EBS5D). Identifiers: MedGen C4225309, MONDO:0014661, OMIM 616487.
Epidermolysis bullosa simplex 5C, with pyloric atresia (EBS5C). Also called: PLEC-Related Epidermolysis Bullosa with Pyloric Atresia; Epidermolysis bullosa simplex with pyloric atresia; PLEC1-Related Epidermolysis Bullosa with Pyloric Atresia. Identifiers: Orphanet 158684, MedGen C2677349, MONDO:0012807, OMIM 612138.
Autosomal recessive limb-girdle muscular dystrophy type 2Q (LGMDR17). Also called: MUSCULAR DYSTROPHY, LIMB-GIRDLE, AUTOSOMAL RECESSIVE 17. Identifiers: Orphanet 254361, MedGen C3150989, MONDO:0013390, OMIM 613723.
Epidermolysis bullosa simplex 5B, with muscular dystrophy (EBS5B). Also called: EPIDERMOLYSIS BULLOSA SIMPLEX AND LIMB-GIRDLE MUSCULAR DYSTROPHY; Epidermolysis bullosa simplex with muscular dystrophy. Identifiers: Orphanet 257, MedGen C2931072, MONDO:0009181, OMIM 226670.
Epidermolysis bullosa simplex, Ogna type (EBS5A). Also called: Pidermolysis bullosa simplex 5A, Ogna type; EPIDERMOLYSIS BULLOSA SIMPLEX 5A, OGNA TYPE. Identifiers: Orphanet 79401, MedGen C0432317, MONDO:0007555, OMIM 131950.

Allele frequency attached by ClinVar (database versions not stated): gnomAD exomes 0.00003; TOPMed 0.00004; ExAC 0.00005; gnomAD 0.00005 and 0.00007; 1000 Genomes Project 30x 0.00016; 1000 Genomes Project 0.00020.
gnomAD v4.1: 49 of 1,594,606 alleles (0.0031%); highest among the groups gnomAD compares: African/African-American, 0.004%; no homozygotes.

Submissions (3):

Labcorp Genetics (formerly Invitae), Labcorp
Classification: Uncertain significance for Autosomal recessive limb-girdle muscular dystrophy type 2Q; Epidermolysis bullosa simplex, Ogna type; Epidermolysis bullosa simplex with nail dystrophy; Epidermolysis bullosa simplex 5C, with pyloric atresia; Epidermolysis bullosa simplex 5B, with muscular dystrophy. Last evaluated: 2024-03-21. Review status: criteria provided, single submitter. Criteria: Invitae Variant Classification Sherloc (09022015). Collection method: clinical testing. Allele origin: germline.
Comment: This sequence change replaces arginine, which is basic and polar, with histidine, which is basic and polar, at codon 1423 of the PLEC protein (p.Arg1423His). The frequency data for this variant in the population databases is considered unreliable, as metrics indicate poor data quality at this position in the gnomAD database. This variant has not been reported in the literature in individuals affected with PLEC-related conditions. ClinVar contains an entry for this variant (Variation ID: 281402). Experimental studies and prediction algorithms are not available or were not evaluated, and the functional significance of this variant is currently unknown. In summary, the available evidence is currently insufficient to determine the role of this variant in disease. Therefore, it has been classified as a Variant of Uncertain Significance.

Revvity Omics, Revvity
Classification: Uncertain significance. Last evaluated: 2021-05-21. Review status: criteria provided, single submitter. Criteria: ACMG Guidelines, 2015. Collection method: clinical testing. Allele origin: germline.

Eurofins Ntd Llc (ga)
Classification: Uncertain significance. Last evaluated: 2017-05-25. Review status: criteria provided, single submitter. Criteria: EGL Classification Definitions 2015. Collection method: clinical testing. Allele origin: germline. Observed: 3 variant alleles, 3 heterozygotes.

NM_201384.3(PLEC):c.4187G>A (p.Arg1396His)

Gene: PLEC (plectin; minus strand). Cytogenetic location: 8q24.3.
Variant type: single nucleotide variant.
Coding change: c.4187G>A on transcript NM_201384.3 (MANE Select); coding-DNA position 4187, G replaced by A.
Protein change: p.Arg1396His; replaces arginine 1396 with histidine.
Molecular consequence: missense variant.
Genome position (GRCh38, 1-based): chr8:143,925,742, C>T on the plus strand (G>A on the coding strand, the complement: PLEC is on the minus strand). VCF-style: chr8-143925742-C-T. GRCh37 (hg19) VCF-style: chr8-144999910-C-T.
Other names: c.4268G>A, p.Arg1423His (NM_000445.5); c.4145G>A, p.Arg1382His (NM_201378.4); c.4121G>A, p.Arg1374His (NM_201379.3); c.4598G>A, p.Arg1533His (NM_201380.4); c.4091G>A, p.Arg1364His (NM_201381.3); c.4187G>A, p.Arg1396His (NM_201382.4); c.4199G>A, p.Arg1400His (NM_201383.3); short protein forms R1364H, R1423H, R1396H, R1400H, R1382H, R1374H, R1533H.
Identifiers: ClinVar variation 281402 (VCV000281402.14), dbSNP rs148159359, ClinGen allele CA4926744.
Genomic context (GRCh38, chr8:143,925,742, plus strand): 5'-CGCTTCTGCTGCTGCGCGTCCACCGCCGCCTCCTCCCGCCGCACCACCTCCTCCTGCATG[C>T]GCTGCTGCAGCTCCTTCGCCTCCCGCTCCGCCTGTGCCTTTGCCTGGGCGTGCGCCTCGG-3'
Protein context (NP_958786.1, residues 1386-1406): AEREAKELQQ[Arg1396His]MQEEVVRREE